The following is an entry in ClinVar:

ClinVar aggregate classification (germline): Uncertain significance (1 of 4 stars; one submission).

Allele frequency attached by ClinVar (database versions not stated): gnomAD 0.00001.
gnomAD v4.1: 2 of 1,614,078 alleles (0.00012%); highest among the groups gnomAD compares: African/African-American, 0.0027%; no homozygotes.

Submission:

Labcorp Genetics (formerly Invitae), Labcorp
Classification: Uncertain significance. Last evaluated: 2022-07-14. Review status: criteria provided, single submitter. Criteria: Invitae Variant Classification Sherloc (09022015). Collection method: clinical testing. Allele origin: germline.
Comment: This sequence change replaces lysine, which is basic and polar, with asparagine, which is neutral and polar, at codon 94 of the ABCG8 protein (p.Lys94Asn). This variant is not present in population databases (gnomAD no frequency). This variant has not been reported in the literature in individuals affected with ABCG8-related conditions. Algorithms developed to predict the effect of missense changes on protein structure and function (SIFT, PolyPhen-2, Align-GVGD) all suggest that this variant is likely to be disruptive. Algorithms developed to predict the effect of sequence changes on RNA splicing suggest that this variant may disrupt the consensus splice site. In summary, the available evidence is currently insufficient to determine the role of this variant in disease. Therefore, it has been classified as a Variant of Uncertain Significance.

NM_022437.3(ABCG8):c.282A>C (p.Lys94Asn)

Gene: ABCG8 (ATP binding cassette subfamily G member 8; plus strand). Cytogenetic location: 2p21.
Variant type: single nucleotide variant.
Coding change: c.282A>C on transcript NM_022437.3 (MANE Select); coding-DNA position 282, A replaced by C.
Protein change: p.Lys94Asn; replaces lysine 94 with asparagine.
Molecular consequence: missense variant.
Genome position (GRCh38, 1-based): chr2:43,846,271, A>C. VCF-style: chr2-43846271-A-C. GRCh37 (hg19) VCF-style: chr2-44073410-A-C.
Other names: c.282A>C, p.Lys94Asn (NM_001357321.2); short protein forms K94N.
Identifiers: ClinVar variation 2183921 (VCV002183921.4), dbSNP rs1668740293, ClinGen allele CA346663627.